The following is an entry in ClinVar:

ClinVar aggregate classification (germline): Likely benign (1 of 4 stars; one submission).

Allele frequency attached by ClinVar (database versions not stated): gnomAD 0.00001; gnomAD exomes 0.00003; TOPMed 0.00003; ExAC 0.00005.
gnomAD v4.1: 36 of 1,209,344 alleles (0.003%); highest among the groups gnomAD compares: Non-Finnish European, 0.0037%; no homozygotes.

Submission:

CeGaT Center for Human Genetics Tuebingen
Classification: Likely benign. Last evaluated: 2022-04-01. Review status: criteria provided, single submitter. Criteria: CeGaT Center For Human Genetics Tuebingen Variant Classification Criteria Version 2. Collection method: clinical testing. Allele origin: germline. Affected: yes. Observed: 1 variant allele.
Comment: CD99L2: BP4, BP7

NM_031462.4(CD99L2):c.189G>A (p.Pro63=)

Gene: CD99L2 (CD99 molecule like 2; minus strand). Cytogenetic location: Xq28.
Variant type: single nucleotide variant.
Coding change: c.189G>A on transcript NM_031462.4 (MANE Select); coding-DNA position 189, G replaced by A.
Protein change: p.Pro63=; no amino-acid change (proline 63 retained).
Molecular consequence: synonymous variant. On other transcripts: intron variant (2).
Genome position (GRCh38, 1-based): chrX:150,816,020, C>T on the plus strand (G>A on the coding strand, the complement: CD99L2 is on the minus strand). VCF-style: chrX-150816020-C-T. GRCh37 (hg19) VCF-style: chrX-149984493-C-T.
Other names: c.189G>A, p.Pro63= (NM_001184808.2, NM_001242614.2); c.130+15211G>A (NM_134445.4, NM_134446.4).
Identifiers: ClinVar variation 2661639 (VCV002661639.24), dbSNP rs781932556, ClinGen allele CA10539989.